The following is an entry in ClinVar:

NM_000270.4(PNP):c.-91G>T

Gene: PNP (purine nucleoside phosphorylase; plus strand). Cytogenetic location: 14q11.2.
Variant type: single nucleotide variant.
Coding change: c.-91G>T on transcript NM_000270.4 (MANE Select); 91 bases upstream of the start codon, G replaced by T.
Molecular consequence: 5 prime UTR variant.
Genome position (GRCh38, 1-based): chr14:20,469,434, G>T. VCF-style: chr14-20469434-G-T. GRCh37 (hg19) VCF-style: chr14-20937593-G-T.
Identifiers: ClinVar variation 312725 (VCV000312725.5), dbSNP rs115464597, ClinGen allele CA10639847.

ClinVar aggregate classification (germline): Benign (1 of 4 stars; one submission).

Conditions:
Purine-nucleoside phosphorylase deficiency. Also called: NUCLEOSIDE PHOSPHORYLASE DEFICIENCY; Immunodeficiency due to purine nucleoside phosphorylase deficiency. Identifiers: Orphanet 760, MedGen C0268125, MONDO:0013171, OMIM 613179.

Allele frequency attached by ClinVar (database versions not stated): gnomAD 0.00526; 1000 Genomes Project 0.00539; 1000 Genomes Project 30x 0.00578; TOPMed 0.00583; ESP Exome Variant Server 0.00591.

Submission:

Illumina Laboratory Services, Illumina
Classification: Benign for Purine-nucleoside phosphorylase deficiency. Last evaluated: 2018-01-12. Review status: criteria provided, single submitter. Criteria: ICSL Variant Classification Criteria 13 December 2019. Collection method: clinical testing. Allele origin: germline.
Comment: This variant was observed in the ICSL laboratory as part of a predisposition screen in an ostensibly healthy population. It had not been previously curated by ICSL or reported in the Human Gene Mutation Database (HGMD: prior to June 1st, 2018), and was therefore a candidate for classification through an automated scoring system. Utilizing variant allele frequency, disease prevalence and penetrance estimates, and inheritance mode, an automated score was calculated to assess if this variant is too frequent to cause the disease. Based on the score and internal cut-off values, a variant classified as benign is not then subjected to further curation. The score for this variant resulted in a classification of benign for this disease.